The following is an entry in ClinVar:

NM_006231.4(POLE):c.1104C>A (p.Asp368Glu)

Gene: POLE (DNA polymerase epsilon, catalytic subunit; minus strand). Cytogenetic location: 12q24.33.
Variant type: single nucleotide variant.
Coding change: c.1104C>A on transcript NM_006231.4 (MANE Select); coding-DNA position 1104, C replaced by A.
Protein change: p.Asp368Glu; replaces aspartic acid 368 with glutamic acid.
Molecular consequence: missense variant.
Genome position (GRCh38, 1-based): chr12:132,675,737, G>T on the plus strand (C>A on the coding strand, the complement: POLE is on the minus strand). VCF-style: chr12-132675737-G-T. GRCh37 (hg19) VCF-style: chr12-133252323-G-T.
Other names: short protein forms D368E.
Identifiers: ClinVar variation 3308420 (VCV003308420.1).

ClinVar aggregate classification (germline): Uncertain significance (1 of 4 stars; one submission).

Conditions:
Hereditary cancer-predisposing syndrome. Also called: Neoplastic Syndromes, Hereditary; Tumor predisposition; Hereditary neoplastic syndrome; Hereditary Cancer Syndrome. Identifiers: Orphanet 140162, MedGen C0027672, MeSH D009386, MONDO:0015356.

Submission:

Ambry Genetics
Classification: Uncertain significance for Hereditary cancer-predisposing syndrome. Last evaluated: 2024-06-04. Review status: criteria provided, single submitter. Criteria: Ambry Variant Classification Scheme 2023. Collection method: clinical testing. Allele origin: germline.
Comment: The p.D368E variant (also known as c.1104C>A), located in coding exon 11 of the POLE gene, results from a C to A substitution at nucleotide position 1104. The aspartic acid at codon 368 is replaced by glutamic acid, an amino acid with highly similar properties. This amino acid position is highly conserved in available vertebrate species. In addition, the in silico prediction for this alteration is inconclusive. Based on the available evidence, the clinical significance of this variant remains unclear.